The following is an entry in ClinVar:

ClinVar aggregate classification (germline): Uncertain significance (1 of 4 stars; one submission).

Conditions:
OTOF-related disorder. Also called: OTOF-related condition.

gnomAD v4.1: 38 of 1,568,616 alleles (0.0024%); highest among the groups gnomAD compares: African/African-American, 0.032%; no homozygotes.

Submission:

PreventionGenetics, part of Exact Sciences
Classification: Uncertain significance for OTOF-related condition. Last evaluated: 2026-08-17. Review status: criteria provided, single submitter. Criteria: ACMG Guidelines, 2015. Collection method: clinical testing. Allele origin: germline.
Comment: The OTOF c.5986G>A variant is predicted to result in the amino acid substitution p.Gly1996Arg. This variant was reported in homozygous state in an individual with hearing loss (supplement, Li et al. 2024. PubMed ID: 39640791). This variant is reported in 0.040% of alleles in individuals of African descent in gnomAD. At this time, the clinical significance of this variant is uncertain due to the absence of conclusive functional and genetic evidence.

NM_194248.3(OTOF):c.5986G>A (p.Gly1996Arg)

Gene: OTOF (otoferlin; minus strand). Cytogenetic location: 2p23.3.
Variant type: single nucleotide variant.
Coding change: c.5986G>A on transcript NM_194248.3 (MANE Select); coding-DNA position 5986, G replaced by A.
Protein change: p.Gly1996Arg; replaces glycine 1996 with arginine.
Molecular consequence: missense variant. On other transcripts: intron variant (2).
Genome position (GRCh38, 1-based): chr2:26,460,033, C>T on the plus strand (G>A on the coding strand, the complement: OTOF is on the minus strand). VCF-style: chr2-26460033-C-T. GRCh37 (hg19) VCF-style: chr2-26682901-C-T.
Other names: c.3685G>A, p.Gly1229Arg (NM_004802.4); c.3916G>A, p.Gly1306Arg (NM_194322.3); c.5813+614G>A (NM_001287489.2); c.3512+614G>A (NM_194323.3); short protein forms G1306R, G1996R, G1229R.
Identifiers: ClinVar variation 4978840 (VCV004978840.1).